The following is an entry in ClinVar:

Conditions:
Arteriohepatic dysplasia. Also called: Alagille Syndrome. Identifiers: Orphanet 52, MedGen C0085280, MeSH D016738, MONDO:0007318.

gnomAD v4.1: 5 of 1,613,754 alleles (0.00031%); highest among the groups gnomAD compares: South Asian, 0.0055%; 1 homozygote.

Submission:

Gilbert/Spinner Lab, Children's Hospital of Philadelphia
No classification provided (evidence only). Condition: Alagille syndrome. Review status: no classification provided. Collection method: research. Allele origin: not applicable. Functional consequence: functionally_abnormal.
ClinVar note: "not provided" was previously submitted as the classification for the variant. However, the classification appeared to be based only on an observation of functional data so it was converted to no classification on 2025-07-30.

NM_000214.3(JAG1):c.397A>G (p.Thr133Ala)

Gene: JAG1 (jagged canonical Notch ligand 1; minus strand). Cytogenetic location: 20p12.2.
Variant type: single nucleotide variant.
Coding change: c.397A>G on transcript NM_000214.3 (MANE Select); coding-DNA position 397, A replaced by G.
Protein change: p.Thr133Ala; replaces threonine 133 with alanine.
Molecular consequence: missense variant.
Genome position (GRCh38, 1-based): chr20:10,664,005, T>C on the plus strand (A>G on the coding strand, the complement: JAG1 is on the minus strand). VCF-style: chr20-10664005-T-C. GRCh37 (hg19) VCF-style: chr20-10644653-T-C.
Other names: short protein forms T133A.
Identifiers: ClinVar variation 3573293 (VCV003573293.2).